The following is an entry in ClinVar:

ClinVar aggregate classification (germline): Likely benign. Review status: criteria provided, multiple submitters, no conflicts (2 of 4 stars). 3 submissions from 3 submitters: Likely benign (3). Last evaluated 2026-10-01.

Allele frequency attached by ClinVar (database versions not stated): gnomAD 0.00005; TOPMed 0.00008; ExAC 0.00009; gnomAD exomes 0.00009.
gnomAD v4.1: 141 of 1,613,908 alleles (0.0087%); highest among the groups gnomAD compares: South Asian, 0.067%; 1 homozygote.

Submissions (3):

CeGaT Center for Human Genetics Tuebingen
Classification: Likely benign. Last evaluated: 2026-10-01. Review status: criteria provided, single submitter. Criteria: CeGaT Center For Human Genetics Tuebingen Variant Classification Criteria Version 2. Collection method: clinical testing. Allele origin: germline. Affected: yes. Observed: 2 variant alleles.
Comment: VPS13D: BP4, BP7

Labcorp Genetics (formerly Invitae), Labcorp
Classification: Likely benign. Last evaluated: 2025-11-03. Review status: criteria provided, single submitter. Criteria: Invitae Variant Classification Sherloc (09022015). Collection method: clinical testing. Allele origin: germline.

Blueprint Genetics
Classification: Likely benign. Last evaluated: 2024-05-06. Review status: criteria provided, single submitter. Criteria: ACMG Guidelines, 2015. Collection method: clinical testing. Allele origin: germline.

NM_015378.4(VPS13D):c.105T>C (p.Val35=)

Gene: VPS13D (vacuolar protein sorting 13 homolog D; plus strand). Cytogenetic location: 1p36.22.
Variant type: single nucleotide variant.
Coding change: c.105T>C on transcript NM_015378.4 (MANE Select); coding-DNA position 105, T replaced by C.
Protein change: p.Val35=; no amino-acid change (valine 35 retained).
Molecular consequence: synonymous variant.
Genome position (GRCh38, 1-based): chr1:12,242,520, T>C. VCF-style: chr1-12242520-T-C. GRCh37 (hg19) VCF-style: chr1-12302577-T-C.
Other names: c.105T>C, p.Val35= (NM_018156.4).
Identifiers: ClinVar variation 2155278 (VCV002155278.29), dbSNP rs768342596, ClinGen allele CA601126.
Genomic context (GRCh38, chr1:12,242,520, plus strand): 5'-TGGCCTACTGTATTTGTTAAATGGATATTTCATGATGCTGTTTTTATTTTTAGGTGCTGT[T>C]GAATTAGAAAACTTGCCATTAAAGAAAGATGCCTTGAAAGAATTGGAATTACCATTTGAA-3'
Protein context (NP_056193.2, residues 25-45): QLSVALLKGA[Val35=]ELENLPLKKD